The following is an entry in ClinVar:

ClinVar aggregate classification (germline): Uncertain significance. Review status: criteria provided, multiple submitters, no conflicts (2 of 4 stars). 2 submissions from 2 submitters: Uncertain significance (2). Last evaluated 2024-11-05.

Allele frequency attached by ClinVar (database versions not stated): gnomAD exomes 0.00002; ExAC 0.00004; gnomAD 0.00012 and 0.00013; TOPMed 0.00012; 1000 Genomes Project 30x 0.00016; 1000 Genomes Project 0.00020.
gnomAD v4.1: 32 of 1,614,008 alleles (0.002%); highest among the groups gnomAD compares: African/African-American, 0.037%; no homozygotes.

Submissions (2):

Labcorp Genetics (formerly Invitae), Labcorp
Classification: Uncertain significance. Last evaluated: 2024-11-05. Review status: criteria provided, single submitter. Criteria: Invitae Variant Classification Sherloc (09022015). Collection method: clinical testing. Allele origin: germline.
Comment: This sequence change replaces glycine, which is neutral and non-polar, with alanine, which is neutral and non-polar, at codon 144 of the PDE6C protein (p.Gly144Ala). This variant is present in population databases (rs533337383, gnomAD 0.04%). This variant has not been reported in the literature in individuals affected with PDE6C-related conditions. ClinVar contains an entry for this variant (Variation ID: 950645). Invitae Evidence Modeling of protein sequence and biophysical properties (such as structural, functional, and spatial information, amino acid conservation, physicochemical variation, residue mobility, and thermodynamic stability) has been performed for this missense variant. However, the output from this modeling did not meet the statistical confidence thresholds required to predict the impact of this variant on PDE6C protein function. In summary, the available evidence is currently insufficient to determine the role of this variant in disease. Therefore, it has been classified as a Variant of Uncertain Significance.

Blueprint Genetics
Classification: Uncertain significance. Last evaluated: 2021-10-25. Review status: criteria provided, single submitter. Criteria: ACMG Guidelines, 2015. Collection method: clinical testing. Allele origin: germline.

NM_006204.4(PDE6C):c.431G>C (p.Gly144Ala)

Gene: PDE6C (phosphodiesterase 6C; plus strand). Cytogenetic location: 10q23.33.
Variant type: single nucleotide variant.
Coding change: c.431G>C on transcript NM_006204.4 (MANE Select); coding-DNA position 431, G replaced by C.
Protein change: p.Gly144Ala; replaces glycine 144 with alanine.
Molecular consequence: missense variant.
Genome position (GRCh38, 1-based): chr10:93,613,156, G>C. VCF-style: chr10-93613156-G-C. GRCh37 (hg19) VCF-style: chr10-95372913-G-C.
Other names: short protein forms G144A.
Identifiers: ClinVar variation 950645 (VCV000950645.11), dbSNP rs533337383, ClinGen allele CA5609835.